The following is an entry in ClinVar:

NM_001846.4(COL4A2):c.477C>T (p.Pro159=)

Gene: COL4A2 (collagen type IV alpha 2 chain; plus strand). Cytogenetic location: 13q34.
Variant type: single nucleotide variant.
Coding change: c.477C>T on transcript NM_001846.4 (MANE Select); coding-DNA position 477, C replaced by T.
Protein change: p.Pro159=; no amino-acid change (proline 159 retained).
Molecular consequence: synonymous variant.
Genome position (GRCh38, 1-based): chr13:110,428,583, C>T. VCF-style: chr13-110428583-C-T. GRCh37 (hg19) VCF-style: chr13-111080930-C-T.
Identifiers: ClinVar variation 2643947 (VCV002643947.26), dbSNP rs534031166, ClinGen allele CA7048906.
Genomic context (GRCh38, chr13:110,428,583, plus strand): 5'-AACCCAGGGAGACTCAGGTCCACAGGGGCCCCCCGGCTCTGAGGGGTTCACCGGGCCTCC[C>T]GTGAGTATCCCCACAGCGCCTGTGCTCCAGGGACGGGCAGACCCCTGCTAAGCCCTGCCT-3'
Protein context (NP_001837.2, residues 149-169): PPGSEGFTGP[Pro159=]GPQGPKGQKG

ClinVar aggregate classification (germline): Conflicting classifications of pathogenicity. Review status: criteria provided, conflicting classifications (1 of 4 stars). 2 submissions from 2 submitters: Uncertain significance (1); Likely benign (1). Last evaluated 2024-03-29.

Allele frequency attached by ClinVar (database versions not stated): ExAC 0.00002; gnomAD 0.00003; TOPMed 0.00006; 1000 Genomes Project 30x 0.00016; 1000 Genomes Project 0.00020.
gnomAD v4.1: 30 of 1,510,486 alleles (0.002%); highest among the groups gnomAD compares: Admixed American, 0.0095%; no homozygotes.

Submissions (2):

Labcorp Genetics (formerly Invitae), Labcorp
Classification: Uncertain significance. Last evaluated: 2024-03-29. Review status: criteria provided, single submitter. Criteria: Invitae Variant Classification Sherloc (09022015). Collection method: clinical testing. Allele origin: germline.
Comment: This sequence change affects codon 159 of the COL4A2 mRNA. It is a 'silent' change, meaning that it does not change the encoded amino acid sequence of the COL4A2 protein. It affects a nucleotide within the consensus splice site. This variant is present in population databases (rs534031166, gnomAD 0.006%). This variant has not been reported in the literature in individuals affected with COL4A2-related conditions. ClinVar contains an entry for this variant (Variation ID: 2643947). Algorithms developed to predict the effect of sequence changes on RNA splicing suggest that this variant is not likely to affect RNA splicing. In summary, the available evidence is currently insufficient to determine the role of this variant in disease. Therefore, it has been classified as a Variant of Uncertain Significance.

CeGaT Center for Human Genetics Tuebingen
Classification: Likely benign. Last evaluated: 2024-03-01. Review status: criteria provided, single submitter. Criteria: CeGaT Center For Human Genetics Tuebingen Variant Classification Criteria Version 2. Collection method: clinical testing. Allele origin: germline. Affected: yes. Observed: 2 variant alleles.
Comment: COL4A2: BP4, BP7